The following is an entry in ClinVar:

ClinVar aggregate classification (germline): Pathogenic. Review status: criteria provided, multiple submitters, no conflicts (2 of 4 stars). 3 submissions from 3 submitters: Pathogenic (3). Last evaluated 2023-07-18.

Conditions:
Hereditary cancer-predisposing syndrome. Also called: Hereditary neoplastic syndrome; Tumor predisposition; Hereditary Cancer Syndrome; Neoplastic Syndromes, Hereditary. Identifiers: Orphanet 140162, MedGen C0027672, MeSH D009386, MONDO:0015356.
Hereditary breast ovarian cancer syndrome. Also called: Hereditary breast and ovarian cancer syndrome; BRCA1- and BRCA2-Associated Hereditary Breast and Ovarian Cancer; Hereditary breast and ovarian cancer syndrome (HBOC); Hereditary breast and/or ovarian cancer syndrome; Hereditary breast and ovarian cancer; Breast and ovarian cancer. Identifiers: Orphanet 145, MedGen C0677776, MeSH D061325, MONDO:0003582. Disease mechanism: loss of function.

Submissions (3):

Quest Diagnostics Nichols Institute San Juan Capistrano
Classification: Pathogenic. Last evaluated: 2023-07-18. Review status: criteria provided, single submitter. Criteria: Quest Diagnostics criteria. Collection method: clinical testing. Allele origin: unknown.
Comment: This variant alters the translational reading frame of the BRCA2 mRNA and causes the premature termination of BRCA2 protein synthesis. This variant has not been reported in the published literature. It also has not been reported in large, multi-ethnic general populations (Genome Aggregation Database). Based on the available information, this variant is classified as pathogenic.

Ambry Genetics
Classification: Pathogenic for Hereditary cancer-predisposing syndrome. Last evaluated: 2022-11-29. Review status: criteria provided, single submitter. Criteria: Ambry Variant Classification Scheme 2023. Collection method: clinical testing. Allele origin: germline.
Comment: The c.4462_4480del19 pathogenic mutation, located in coding exon 10 of the BRCA2 gene, results from a deletion of 19 nucleotides at nucleotide positions 4462 to 4480, causing a translational frameshift with a predicted alternate stop codon (p.H1488Vfs*10). This variant is considered to be rare based on population cohorts in the Genome Aggregation Database (gnomAD). This alteration is expected to result in loss of function by premature protein truncation or nonsense-mediated mRNA decay. As such, this alteration is interpreted as a disease-causing mutation.

Labcorp Genetics (formerly Invitae), Labcorp
Classification: Pathogenic for Hereditary breast ovarian cancer syndrome. Last evaluated: 2022-06-14. Review status: criteria provided, single submitter. Criteria: Invitae Variant Classification Sherloc (09022015). Collection method: clinical testing. Allele origin: germline.
Comment: This sequence change creates a premature translational stop signal (p.His1488Valfs*10) in the BRCA2 gene. It is expected to result in an absent or disrupted protein product. Loss-of-function variants in BRCA2 are known to be pathogenic (PMID: 20104584). For these reasons, this variant has been classified as Pathogenic. This variant has not been reported in the literature in individuals affected with BRCA2-related conditions. This variant is not present in population databases (gnomAD no frequency).

Literature cited by the submitters: PubMed 20104584 (cited by Labcorp Genetics (formerly Invitae), Labcorp).

NM_000059.4(BRCA2):c.4462_4480del (p.His1488fs)

Gene: BRCA2 (BRCA2 DNA repair associated; plus strand). Cytogenetic location: 13q13.1.
Variant type: Deletion.
Coding change: c.4462_4480del on transcript NM_000059.4 (MANE Select); coding-DNA positions 4462 to 4480, 19 bases deleted (CACAAAATACTGAAAGAAA).
Protein change: p.His1488fs; shifts the reading frame from histidine 1488.
Molecular consequence: frameshift variant.
Genome position (GRCh38, 1-based): chr13:32,338,817-32,338,835, CACAAAATACTGAAAGAAA deleted; deleting any 19 consecutive bases within chr13:32,338,814-32,338,835 gives the same sequence; the c. name uses the placement nearest the transcript's 3' end. VCF-style (leftmost placement, unchanged base first): chr13-32338813-TAAACACAAAATACTGAAAG-T. GRCh37 (hg19) VCF-style: chr13-32912950-TAAACACAAAATACTGAAAG-T.
Other names: c.4462_4480del19, p.His1488Valfs (NM_000059.3, NM_001406719.1, NM_001406720.1); c.4462_4480del (NM_000059.3); short protein forms H1488fs.
Identifiers: ClinVar variation 2126868 (VCV002126868.7), dbSNP rs2548528422, ClinGen allele CA2580087292.